The following is an entry in ClinVar:

ClinVar aggregate classification (germline): Benign (1 of 4 stars; one submission).

Submission:

Unidad de Genómica Garrahan, Hospital de Pediatría Garrahan
Classification: Benign. Last evaluated: 2024-01-24. Review status: criteria provided, single submitter. Criteria: ACMG Guidelines, 2015. Collection method: clinical testing. Allele origin: germline. Affected: no. Observed: 30 variant alleles.
Comment: This variant is classified as Benign based on local population frequency. This variant was detected in 34% of patients studied by a panel of primary immunodeficiencies. Number of patients: 30. Only high quality variants are reported.

NM_001040458.3(ERAP1):c.1943+121dup

Gene: ERAP1 (endoplasmic reticulum aminopeptidase 1; minus strand). Cytogenetic location: 5q15.
Variant type: Duplication.
Coding change: c.1943+121dup on transcript NM_001040458.3 (MANE Select); 121 bases into the intron after coding-DNA position 1943, one base duplicated (T; older notation c.1943+121dupT).
Molecular consequence: intron variant.
Genome position (GRCh38, 1-based): chr5:96,785,667, A duplicated on the plus strand (T on the coding strand, the reverse complement: ERAP1 is on the minus strand); the first of 3 consecutive A bases (chr5:96,785,667-96,785,669); duplicating any one gives the same sequence. VCF-style (leftmost placement, unchanged base first): chr5-96785666-T-TA. GRCh37 (hg19) VCF-style: chr5-96121370-T-TA.
Other names: c.1943+121dup (NM_001349244.2, NM_016442.5, NM_001198541.3).
Identifiers: ClinVar variation 2688452 (VCV002688452.2), dbSNP rs11386832, ClinGen allele CA122964883.